The following is an entry in ClinVar:

NM_001368894.2(PAX6):c.416G>A (p.Arg139Lys)

Gene: PAX6 (paired box 6; minus strand). Cytogenetic location: 11p13.
Variant type: single nucleotide variant.
Coding change: c.416G>A on transcript NM_001368894.2 (MANE Select); coding-DNA position 416, G replaced by A.
Protein change: p.Arg139Lys; replaces arginine 139 with lysine.
Molecular consequence: missense variant. On other transcripts: 5 prime UTR variant (14), non-coding transcript variant (2).
Genome position (GRCh38, 1-based): chr11:31,800,840, C>T on the plus strand (G>A on the coding strand, the complement: PAX6 is on the minus strand). VCF-style: chr11-31800840-C-T. GRCh37 (hg19) VCF-style: chr11-31822388-C-T.
Other names: c.374G>A, p.Arg125Lys (NM_000280.6, NM_001127612.3, NM_001258464.2 and 10 more transcripts); c.416G>A, p.Arg139Lys (NM_001258462.3, NM_001258463.2, NM_001310158.2 and 6 more transcripts); c.-35G>A (NM_001310160.2, NM_001310161.3, NM_001368899.2 and 11 more transcripts); c.617G>A, p.Arg206Lys (NM_001368910.2); c.419G>A, p.Arg140Lys (NM_001368911.2); c.491G>A, p.Arg164Lys (NM_001368918.2, NM_001368919.2); c.449G>A, p.Arg150Lys (NM_001368920.2); c.215G>A, p.Arg72Lys (NM_001368921.2, NM_001368922.2, NM_001368923.2 and 4 more transcripts); and 1 more; short protein forms R140K, R72K, R164K, R206K, R125K, R139K, R58K, R150K.
Identifiers: ClinVar variation 2281882 (VCV002281882.4), dbSNP rs2496001695, ClinGen allele CA379958385.
Genomic context (GRCh38, chr11:31,800,840, plus strand): 5'-TTATCATACATGCCGTCTGCGCCCATCTGTTGCTTTTCGCTAGCCAGGTTGCGAAGAACT[C>T]TGTTTATTGATGACACCTGCAAATCAAACCAAAATCAAACCAAATGGTAGTGTCTCCTGA-3'
Protein context (NP_001355823.1, residues 129-149): DNIPSVSSIN[Arg139Lys]VLRNLASEKQ

ClinVar aggregate classification (germline): Likely pathogenic (1 of 4 stars; one submission).

Conditions:
Inborn genetic diseases. Identifiers: MedGen C0950123, MeSH D030342.

Submission:

Ambry Genetics
Classification: Likely pathogenic for Inborn genetic diseases. Last evaluated: 2026-03-30. Review status: criteria provided, single submitter. Criteria: Ambry Variant Classification Scheme 2023. Collection method: clinical testing. Allele origin: germline.
Comment: The c.374G>A (p.R125K) alteration is located in exon 7 (coding exon 4) of the PAX6 gene. This alteration results from a G to A substitution at nucleotide position 374, causing the arginine (R) at amino acid position 125 to be replaced by a lysine (K). This variant was not reported in population-based cohorts in the Genome Aggregation Database (gnomAD). This amino acid position is highly conserved in available vertebrate species. This alteration is predicted to be deleterious by in silico analysis. Based on the available evidence, this alteration is classified as likely pathogenic.